The following is an entry in ClinVar:

ClinVar aggregate classification (germline): Uncertain significance. Review status: criteria provided, multiple submitters, no conflicts (2 of 4 stars). 2 submissions from 2 submitters: Uncertain significance (2). Last evaluated 2024-10-29.

Conditions:
Reticular dysgenesis. Also called: ALEUKOCYTOSIS; CONGENITAL ALEUKIA; HEMATOPOIETIC HYPOPLASIA, GENERALIZED; RETICULAR DYSGENESIA; SEVERE COMBINED IMMUNODEFICIENCY WITH LEUKOPENIA; DeVaal disease. Identifiers: Orphanet 33355, MedGen C0272167, MONDO:0009973, OMIM 267500.

Allele frequency attached by ClinVar (database versions not stated): gnomAD exomes 0.00001 and 0.00003; ExAC 0.00006; ESP Exome Variant Server 0.00008; gnomAD 0.00009; TOPMed 0.00014.
gnomAD v4.1: 36 of 1,613,154 alleles (0.0022%); highest among the groups gnomAD compares: African/African-American, 0.036%; no homozygotes.

Submissions (2):

Labcorp Genetics (formerly Invitae), Labcorp
Classification: Uncertain significance for Reticular dysgenesis. Last evaluated: 2024-10-29. Review status: criteria provided, single submitter. Criteria: Invitae Variant Classification Sherloc (09022015). Collection method: clinical testing. Allele origin: germline.
Comment: This sequence change replaces glutamic acid, which is acidic and polar, with lysine, which is basic and polar, at codon 77 of the AK2 protein (p.Glu77Lys). This variant is present in population databases (rs370935115, gnomAD 0.04%). This variant has not been reported in the literature in individuals affected with AK2-related conditions. ClinVar contains an entry for this variant (Variation ID: 850228). An algorithm developed to predict the effect of missense changes on protein structure and function (PolyPhen-2) suggests that this variant is likely to be disruptive. In summary, the available evidence is currently insufficient to determine the role of this variant in disease. Therefore, it has been classified as a Variant of Uncertain Significance.

Blueprint Genetics
Classification: Uncertain significance. Last evaluated: 2023-06-14. Review status: criteria provided, single submitter. Criteria: ACMG Guidelines, 2015. Collection method: clinical testing. Allele origin: germline.

NM_001625.4(AK2):c.229G>A (p.Glu77Lys)

Gene: AK2 (adenylate kinase 2; minus strand). Cytogenetic location: 1p35.1.
Variant type: single nucleotide variant.
Coding change: c.229G>A on transcript NM_001625.4 (MANE Select); coding-DNA position 229, G replaced by A.
Protein change: p.Glu77Lys; replaces glutamic acid 77 with lysine.
Molecular consequence: missense variant. On other transcripts: non-coding transcript variant (1).
Genome position (GRCh38, 1-based): chr1:33,021,694, C>T on the plus strand (G>A on the coding strand, the complement: AK2 is on the minus strand). VCF-style: chr1-33021694-C-T. GRCh37 (hg19) VCF-style: chr1-33487295-C-T.
Other names: c.85G>A, p.Glu29Lys (NM_001319140.2, NM_001319139.3); c.229G>A, p.Glu77Lys (NM_001319141.3, NM_001319143.2, NM_013411.5 and 1 more transcripts); c.103G>A, p.Glu35Lys (NM_001319142.3); short protein forms E29K, E35K, E77K.
Identifiers: ClinVar variation 850228 (VCV000850228.9), dbSNP rs370935115, ClinGen allele CA747204.